The following is an entry in ClinVar:

ClinVar aggregate classification (germline): Uncertain significance (1 of 4 stars; one submission).

Conditions:
Microcephaly 29, primary, autosomal recessive (MCPH29). Identifiers: MedGen C5774220, MONDO:0031060, OMIM 620047.

gnomAD v4.1: 1 of 1,519,142 alleles (0.000066%); highest among the groups gnomAD compares: East Asian, 0.0025%; no homozygotes.

Submission:

Juno Genomics, Hangzhou Juno Genomics, Inc
Classification: Uncertain significance for Microcephaly 29, primary, autosomal recessive. Review status: criteria provided, single submitter. Criteria: ACMG Guidelines, 2015. Collection method: clinical testing. Allele origin: germline.
Comment: Absent from controls (or at extremely low frequency if recessive) in Genome Aggregation Database.;Multiple lines of computational evidence support a deleterious effect on the gene or gene product.

NM_013374.6(PDCD6IP):c.209+11G>T

Gene: PDCD6IP (programmed cell death 6 interacting protein; plus strand). Cytogenetic location: 3p22.3.
Variant type: single nucleotide variant.
Coding change: c.209+11G>T on transcript NM_013374.6 (MANE Select); 11 bases into the intron after coding-DNA position 209, G replaced by T.
Molecular consequence: intron variant.
Genome position (GRCh38, 1-based): chr3:33,798,948, G>T. VCF-style: chr3-33798948-G-T. GRCh37 (hg19) VCF-style: chr3-33840440-G-T.
Other names: c.209+11G>T (NM_001162429.3, NM_001256192.2).
Identifiers: ClinVar variation 5006611 (VCV005006611.2).